The following is an entry in ClinVar:

ClinVar aggregate classification (germline): Likely benign. Review status: criteria provided, single submitter (1 of 4 stars). 2 submissions from 2 submitters: Likely benign (1). 1 of the submissions does not count toward it. Last evaluated 2025-01-12.

Conditions:
MKS1-related disorder. Also called: MKS1-related condition; MKS1-related disorders. Identifiers: MedGen CN239382.
Meckel-Gruber syndrome. Also called: DYSENCEPHALIA SPLANCHNOCYSTICA; Dysencephalia splachnocystica; GRUBER SYNDROME. Identifiers: Orphanet 564, MedGen C0265215, MONDO:0018921.
Joubert syndrome. Also called: JOUBERT-BOLTSHAUSER SYNDROME; Familial aplasia of the vermis. Identifiers: Orphanet 475, MedGen C5979921, MONDO:0018772.

Allele frequency attached by ClinVar (database versions not stated): gnomAD 0.00001.

Submissions (2):

Labcorp Genetics (formerly Invitae), Labcorp
Classification: Likely benign for Joubert syndrome; Meckel-Gruber syndrome. Last evaluated: 2025-01-12. Review status: criteria provided, single submitter. Criteria: Invitae Variant Classification Sherloc (09022015). Collection method: clinical testing. Allele origin: germline.

PreventionGenetics, part of Exact Sciences
Classification: Likely benign for MKS1-related condition. Last evaluated: 2021-03-15. Review status: no assertion criteria provided. Collection method: clinical testing. Allele origin: germline. Not counted in ClinVar's aggregate classification.
Comment: This variant is classified as likely benign based on ACMG/AMP sequence variant interpretation guidelines (Richards et al. 2015 PMID: 25741868, with internal and published modifications).

NM_017777.4(MKS1):c.1096-10C>T

Gene: MKS1 (MKS transition zone complex subunit 1; minus strand). Cytogenetic location: 17q22.
Variant type: single nucleotide variant.
Coding change: c.1096-10C>T on transcript NM_017777.4 (MANE Select); 10 bases into the intron before coding-DNA position 1096, C replaced by T.
Molecular consequence: intron variant.
Genome position (GRCh38, 1-based): chr17:58,208,184, G>A on the plus strand (C>T on the coding strand, the complement: MKS1 is on the minus strand). VCF-style: chr17-58208184-G-A. GRCh37 (hg19) VCF-style: chr17-56285545-G-A.
Other names: c.1096-10C>T (NM_017777.3, NM_001330397.2, NM_001321269.2); c.487-10C>T (NM_001321268.2).
Identifiers: ClinVar variation 1157427 (VCV001157427.10), dbSNP rs766137727, ClinGen allele CA773494794.